The following is an entry in ClinVar:

NM_000460.4(THPO):c.691G>T (p.Gly231Cys)

Gene: THPO (thrombopoietin; minus strand). Cytogenetic location: 3q27.1.
Variant type: single nucleotide variant.
Coding change: c.691G>T on transcript NM_000460.4 (MANE Select); coding-DNA position 691, G replaced by T.
Protein change: p.Gly231Cys; replaces glycine 231 with cysteine.
Molecular consequence: missense variant.
Genome position (GRCh38, 1-based): chr3:184,372,884, C>A on the plus strand (G>T on the coding strand, the complement: THPO is on the minus strand). VCF-style: chr3-184372884-C-A. GRCh37 (hg19) VCF-style: chr3-184090672-C-A.
Other names: c.679G>T, p.Gly227Cys (NM_001177597.2, NM_001290022.1); c.674G>T, p.Trp225Leu (NM_001177598.2, NM_001290026.1); c.575G>T, p.Trp192Leu (NM_001289997.1, NM_001290027.1); c.691G>T, p.Gly231Cys (NM_001289998.1, NM_001290028.1); c.1111G>T, p.Gly371Cys (NM_001290003.1); short protein forms G227C, G231C, G371C, W192L, W225L.
Identifiers: ClinVar variation 4702803 (VCV004702803.1).

ClinVar aggregate classification (germline): Uncertain significance (1 of 4 stars; one submission).

Submission:

Labcorp Genetics (formerly Invitae), Labcorp
Classification: Uncertain significance. Last evaluated: 2025-12-22. Review status: criteria provided, single submitter. Criteria: Invitae Variant Classification Sherloc (09022015). Collection method: clinical testing. Allele origin: germline.
Comment: This sequence change replaces glycine, which is neutral and non-polar, with cysteine, which is neutral and slightly polar, at codon 231 of the THPO protein (p.Gly231Cys). This variant is not present in population databases (gnomAD no frequency). This variant has not been reported in the literature in individuals affected with THPO-related conditions. Invitae Evidence Modeling of protein sequence and biophysical properties (such as structural, functional, and spatial information, amino acid conservation, physicochemical variation, residue mobility, and thermodynamic stability) indicates that this missense variant is not expected to disrupt THPO protein function with a negative predictive value of 80%. In summary, the available evidence is currently insufficient to determine the role of this variant in disease. Therefore, it has been classified as a Variant of Uncertain Significance.